The following is an entry in ClinVar:

ClinVar aggregate classification (germline): Uncertain significance (1 of 4 stars; one submission).

Allele frequency attached by ClinVar (database versions not stated): gnomAD exomes below 0.00001.

Submission:

Labcorp Genetics (formerly Invitae), Labcorp
Classification: Uncertain significance. Last evaluated: 2023-05-22. Review status: criteria provided, single submitter. Criteria: Invitae Variant Classification Sherloc (09022015). Collection method: clinical testing. Allele origin: germline.
Comment: This sequence change replaces valine, which is neutral and non-polar, with leucine, which is neutral and non-polar, at codon 1046 of the CACNA1F protein (p.Val1046Leu). This variant is not present in population databases (gnomAD no frequency). This variant has not been reported in the literature in individuals affected with CACNA1F-related conditions. ClinVar contains an entry for this variant (Variation ID: 1999701). Advanced modeling of protein sequence and biophysical properties (such as structural, functional, and spatial information, amino acid conservation, physicochemical variation, residue mobility, and thermodynamic stability) performed at Invitae indicates that this missense variant is not expected to disrupt CACNA1F protein function. In summary, the available evidence is currently insufficient to determine the role of this variant in disease. Therefore, it has been classified as a Variant of Uncertain Significance.

NM_001256789.3(CACNA1F):c.3103G>T (p.Val1035Leu)

Gene: CACNA1F (calcium voltage-gated channel subunit alpha1 F; minus strand). Cytogenetic location: Xp11.23.
Variant type: single nucleotide variant.
Coding change: c.3103G>T on transcript NM_001256789.3 (MANE Select); coding-DNA position 3103, G replaced by T.
Protein change: p.Val1035Leu; replaces valine 1035 with leucine.
Molecular consequence: missense variant.
Genome position (GRCh38, 1-based): chrX:49,216,515, C>A on the plus strand (G>T on the coding strand, the complement: CACNA1F is on the minus strand). VCF-style: chrX-49216515-C-A. GRCh37 (hg19) VCF-style: chrX-49072975-C-A.
Other names: c.2941G>T, p.Val981Leu (NM_001256790.3); c.3136G>T, p.Val1046Leu (NM_005183.4); short protein forms V1046L, V981L, V1035L.
Identifiers: ClinVar variation 1999701 (VCV001999701.4), dbSNP rs1251181430, ClinGen allele CA412964139.
Genomic context (GRCh38, chrX:49,216,515, plus strand): 5'-CACTGTTGACCCAGAGCCGCTCCCGGACCAGGGGCCGTGACACGTCTCCATCTGGGTATA[C>A]CAGGAAGGAGCCCCTGTGGATGTGCAAACAGGTTAGATGGGTGAGGAGGGGTGAGGAACT-3'
Protein context (NP_001243718.1, residues 1025-1045): TPQECKGSFL[Val1035Leu]YPDGDVSRPL